The following is an entry in ClinVar:

NM_019098.5(CNGB3):c.1849_1850del (p.Leu617fs)

Gene: CNGB3 (cyclic nucleotide gated channel subunit beta 3; minus strand). Cytogenetic location: 8q21.3.
Variant type: Deletion.
Coding change: c.1849_1850del on transcript NM_019098.5 (MANE Select); coding-DNA positions 1849 to 1850, 2 bases deleted (TT; older notation c.1849_1850delTT).
Protein change: p.Leu617fs; shifts the reading frame from leucine 617.
Molecular consequence: frameshift variant.
Genome position (GRCh38, 1-based): chr8:86,579,184-86,579,185, AA deleted on the plus strand (TT on the coding strand, the reverse complement: CNGB3 is on the minus strand); deleting any 2 consecutive bases within chr8:86,579,184-86,579,187 gives the same sequence; the c. name uses the placement nearest the transcript's 3' end. VCF-style (leftmost placement, unchanged base first): chr8-86579183-TAA-T. GRCh37 (hg19) VCF-style: chr8-87591411-TAA-T.
Other names: short protein forms L617fs.
Identifiers: ClinVar variation 1724545 (VCV001724545.2), dbSNP rs2538028854, ClinGen allele CA2580078990.

ClinVar aggregate classification (germline): Likely pathogenic (1 of 4 stars; one submission).

Conditions:
Achromatopsia 3 (ACHM3). Also called: TOTAL COLORBLINDNESS WITH MYOPIA; ROD MONOCHROMACY 1; ROD MONOCHROMATISM 1; PINGELAPESE BLINDNESS; ACHROMATOPSIA WITH MYOPIA. Identifiers: Orphanet 49382, MedGen C1849792, MONDO:0009875, OMIM 262300.

Submission:

Myriad Genetics, Inc.
Classification: Likely pathogenic for Achromatopsia 3. Last evaluated: 2022-02-19. Review status: criteria provided, single submitter. Criteria: Myriad Women's Health Autosomal Recessive and X-Linked Classification Criteria (2021). Collection method: clinical testing. Allele origin: unknown.
Comment: NM_019098.4(CNGB3):c.1849_1850delTT(L617Nfs*18) is expected to be pathogenic in the context of CNGB3-related achromatopsia. This variant is predicted to lead to an abnormal or absent protein product due to the creation of a premature termination codon in CNGB3, a gene where loss-of-function variants are known to be pathogenic. Please note: this variant was assessed in the context of healthy population screening.